The following is an entry in ClinVar:

ClinVar aggregate classification (germline): Uncertain significance (1 of 4 stars; one submission).

gnomAD v4.1: 1 of 1,614,096 alleles (0.000062%); no homozygotes.

Submission:

Labcorp Genetics (formerly Invitae), Labcorp
Classification: Uncertain significance. Last evaluated: 2024-02-25. Review status: criteria provided, single submitter. Criteria: Invitae Variant Classification Sherloc (09022015). Collection method: clinical testing. Allele origin: germline.
Comment: This sequence change replaces alanine, which is neutral and non-polar, with valine, which is neutral and non-polar, at codon 433 of the FLNB protein (p.Ala433Val). This variant is not present in population databases (gnomAD no frequency). This variant has not been reported in the literature in individuals affected with FLNB-related conditions. Advanced modeling of protein sequence and biophysical properties (such as structural, functional, and spatial information, amino acid conservation, physicochemical variation, residue mobility, and thermodynamic stability) performed at Invitae indicates that this missense variant is not expected to disrupt FLNB protein function with a negative predictive value of 95%. In summary, the available evidence is currently insufficient to determine the role of this variant in disease. Therefore, it has been classified as a Variant of Uncertain Significance.

NM_001457.4(FLNB):c.1298C>T (p.Ala433Val)

Gene: FLNB (filamin B; plus strand). Cytogenetic location: 3p14.3.
Variant type: single nucleotide variant.
Coding change: c.1298C>T on transcript NM_001457.4 (MANE Select); coding-DNA position 1298, C replaced by T.
Protein change: p.Ala433Val; replaces alanine 433 with valine.
Molecular consequence: missense variant.
Genome position (GRCh38, 1-based): chr3:58,098,861, C>T. VCF-style: chr3-58098861-C-T. GRCh37 (hg19) VCF-style: chr3-58084588-C-T.
Other names: c.1298C>T, p.Ala433Val (NM_001164317.2, NM_001164318.2, NM_001164319.2); short protein forms A433V.
Identifiers: ClinVar variation 3635699 (VCV003635699.2).